The following is an entry in ClinVar:

ClinVar aggregate classification (germline): Uncertain significance (1 of 4 stars; one submission).

Submission:

Labcorp Genetics (formerly Invitae), Labcorp
Classification: Uncertain significance. Last evaluated: 2024-03-28. Review status: criteria provided, single submitter. Criteria: Invitae Variant Classification Sherloc (09022015). Collection method: clinical testing. Allele origin: germline.
Comment: This sequence change falls in intron 12 of the TCIRG1 gene. It does not directly change the encoded amino acid sequence of the TCIRG1 protein. It affects a nucleotide within the consensus splice site. This variant is not present in population databases (gnomAD no frequency). This variant has not been reported in the literature in individuals affected with TCIRG1-related conditions. Variants that disrupt the consensus splice site are a relatively common cause of aberrant splicing (PMID: 17576681, 9536098). Algorithms developed to predict the effect of sequence changes on RNA splicing suggest that this variant may disrupt the consensus splice site. In summary, the available evidence is currently insufficient to determine the role of this variant in disease. Therefore, it has been classified as a Variant of Uncertain Significance.

Literature cited by the submitters: PubMed 17576681; PubMed 9536098.

NM_006019.4(TCIRG1):c.1463+3G>C

Gene: TCIRG1 (T cell immune regulator 1, ATPase H+ transporting V0 subunit a3; plus strand). Cytogenetic location: 11q13.2.
Variant type: single nucleotide variant.
Coding change: c.1463+3G>C on transcript NM_006019.4 (MANE Select); 3 bases into the intron after coding-DNA position 1463, G replaced by C.
Molecular consequence: intron variant.
Genome position (GRCh38, 1-based): chr11:68,047,807, G>C. VCF-style: chr11-68047807-G-C. GRCh37 (hg19) VCF-style: chr11-67815274-G-C.
Other names: c.569+3G>C (NM_001351059.2); c.815+3G>C (NM_006053.4).
Identifiers: ClinVar variation 3640733 (VCV003640733.2).